The following is an entry in ClinVar:

ClinVar aggregate classification (germline): Uncertain significance (1 of 4 stars; one submission).

Submission:

Labcorp Genetics (formerly Invitae), Labcorp
Classification: Uncertain significance. Last evaluated: 2024-05-06. Review status: criteria provided, single submitter. Criteria: Invitae Variant Classification Sherloc (09022015). Collection method: clinical testing. Allele origin: germline.
Comment: This sequence change replaces tryptophan, which is neutral and slightly polar, with glycine, which is neutral and non-polar, at codon 784 of the KANK4 protein (p.Trp784Gly). This variant is not present in population databases (gnomAD no frequency). This variant has not been reported in the literature in individuals affected with KANK4-related conditions. An algorithm developed to predict the effect of missense changes on protein structure and function (PolyPhen-2) suggests that this variant is likely to be disruptive. In summary, the available evidence is currently insufficient to determine the role of this variant in disease. Therefore, it has been classified as a Variant of Uncertain Significance.

NM_181712.5(KANK4):c.2350T>G (p.Trp784Gly)

Gene: KANK4 (KN motif and ankyrin repeat domains 4; minus strand). Cytogenetic location: 1p31.3.
Variant type: single nucleotide variant.
Coding change: c.2350T>G on transcript NM_181712.5 (MANE Select); coding-DNA position 2350, T replaced by G.
Protein change: p.Trp784Gly; replaces tryptophan 784 with glycine.
Molecular consequence: missense variant.
Genome position (GRCh38, 1-based): chr1:62,263,281, A>C on the plus strand (T>G on the coding strand, the complement: KANK4 is on the minus strand). VCF-style: chr1-62263281-A-C. GRCh37 (hg19) VCF-style: chr1-62728953-A-C.
Other names: c.466T>G, p.Trp156Gly (NM_001320269.2); short protein forms W784G, W156G.
Identifiers: ClinVar variation 3651830 (VCV003651830.2).